The following is an entry in ClinVar:

NM_001330078.2(NRXN1):c.589G>T (p.Val197Leu)

Gene: NRXN1 (neurexin 1; minus strand). Cytogenetic location: 2p16.3.
Variant type: single nucleotide variant.
Coding change: c.589G>T on transcript NM_001330078.2 (MANE Select); coding-DNA position 589, G replaced by T.
Protein change: p.Val197Leu; replaces valine 197 with leucine.
Molecular consequence: missense variant.
Genome position (GRCh38, 1-based): chr2:51,027,685, C>A on the plus strand (G>T on the coding strand, the complement: NRXN1 is on the minus strand). VCF-style: chr2-51027685-C-A. GRCh37 (hg19) VCF-style: chr2-51254823-C-A.
Other names: c.589G>T, p.Val197Leu (NM_001135659.3, NM_001330077.2, NM_001330079.2 and 15 more transcripts); short protein forms V197L.
Identifiers: ClinVar variation 2035617 (VCV002035617.4), dbSNP rs369183287, ClinGen allele CA48054894.

ClinVar aggregate classification (germline): Uncertain significance (1 of 4 stars; one submission).

Conditions:
Pitt-Hopkins-like syndrome 2 (PTHSL2). Identifiers: Orphanet 221150, Orphanet 600663, MedGen C3280479, MONDO:0013690, OMIM 614325.

Allele frequency attached by ClinVar (database versions not stated): gnomAD 0.00001; ESP Exome Variant Server 0.00016.

Submission:

Labcorp Genetics (formerly Invitae), Labcorp
Classification: Uncertain significance for Pitt-Hopkins-like syndrome 2. Last evaluated: 2022-01-19. Review status: criteria provided, single submitter. Criteria: Invitae Variant Classification Sherloc (09022015). Collection method: clinical testing. Allele origin: germline.
Comment: In summary, the available evidence is currently insufficient to determine the role of this variant in disease. Therefore, it has been classified as a Variant of Uncertain Significance. Algorithms developed to predict the effect of missense changes on protein structure and function output the following: SIFT: "Tolerated"; PolyPhen-2: "Benign"; Align-GVGD: "Class C0". The leucine amino acid residue is found in multiple mammalian species, which suggests that this missense change does not adversely affect protein function. This variant has not been reported in the literature in individuals affected with NRXN1-related conditions. This variant is not present in population databases (gnomAD no frequency). This sequence change replaces valine, which is neutral and non-polar, with leucine, which is neutral and non-polar, at codon 197 of the NRXN1 protein (p.Val197Leu).